The following is an entry in ClinVar:

NM_015046.7(SETX):c.3880C>T (p.Arg1294Cys)

Gene: SETX (senataxin; minus strand). Cytogenetic location: 9q34.13.
Variant type: single nucleotide variant.
Coding change: c.3880C>T on transcript NM_015046.7 (MANE Select); coding-DNA position 3880, C replaced by T.
Protein change: p.Arg1294Cys; replaces arginine 1294 with cysteine.
Molecular consequence: missense variant.
Genome position (GRCh38, 1-based): chr9:132,327,718, G>A on the plus strand (C>T on the coding strand, the complement: SETX is on the minus strand). VCF-style: chr9-132327718-G-A. GRCh37 (hg19) VCF-style: chr9-135203105-G-A.
Other names: c.3880C>T, p.Arg1294Cys (NM_001351527.2, NM_001351528.2); short protein forms R1294C.
Identifiers: ClinVar variation 446190 (VCV000446190.7), dbSNP rs267607044, ClinGen allele CA027386.
Genomic context (GRCh38, chr9:132,327,718, plus strand): 5'-CATGATCACGTAATTGAGCTACATAATCCAAAGACCGCTGGGACAACTCATATGCCTTAC[G>A]AGGACCCTTTTTCAGGCCAAGTTTCTCAGCTGTTGAAGTTGGCTCAGGACACTGACGAAA-3'
Protein context (NP_055861.3, residues 1284-1304): AEKLGLKKGP[Arg1294Cys]KAYELSQRSL

ClinVar aggregate classification (germline): Conflicting classifications of pathogenicity. Review status: criteria provided, conflicting classifications (1 of 4 stars). 3 submissions from 3 submitters: Uncertain significance (1); Likely benign (1). 1 of the submissions does not count toward it. Last evaluated 2024-12-23.

Conditions:
Amyotrophic lateral sclerosis type 4 (ALS4). Also called: NEURONOPATHY, DISTAL HEREDITARY MOTOR, WITH PYRAMIDAL FEATURES; AMYOTROPHIC LATERAL SCLEROSIS 4, JUVENILE. Identifiers: Orphanet 357043, MedGen C1865409, MONDO:0011223, OMIM 602433.
Spinocerebellar ataxia, autosomal recessive, with axonal neuropathy 2 (SCAN2). Also called: Ataxia-ocular apraxia-2; Ataxia with Oculomotor Apraxia; ATAXIA-OCULOMOTOR APRAXIA 2; Ataxia with Oculomotor Apraxia Type 2. Identifiers: Orphanet 64753, MedGen C1853761, MONDO:0018996, OMIM 606002.
Charcot-Marie-Tooth disease. Also called: Charcot-Marie-Tooth Neuropathy; Charcot-Marie-Tooth Hereditary Neuropathy. Identifiers: Orphanet 166, MedGen C0007959, MONDO:0015626.

Allele frequency attached by ClinVar (database versions not stated): ExAC 0.00002; gnomAD 0.00002; TOPMed 0.00002; gnomAD exomes 0.00001 and 0.00002.
gnomAD v4.1: 39 of 1,614,026 alleles (0.0024%); highest among the groups gnomAD compares: Non-Finnish European, 0.0029%; no homozygotes.

Submissions (3):

Labcorp Genetics (formerly Invitae), Labcorp
Classification: Likely benign for Amyotrophic lateral sclerosis type 4; Spinocerebellar ataxia, autosomal recessive, with axonal neuropathy 2. Last evaluated: 2024-12-23. Review status: criteria provided, single submitter. Criteria: Invitae Variant Classification Sherloc (09022015). Collection method: clinical testing. Allele origin: germline.

GeneDx
Classification: Uncertain significance. Last evaluated: 2019-09-25. Review status: criteria provided, single submitter. Criteria: GeneDx Variant Classification Process June 2021. Collection method: clinical testing. Allele origin: germline. Affected: yes.
Comment: In silico analysis, which includes protein predictors and evolutionary conservation, supports a deleterious effect; Observed in apparent homozygous state in two siblings with ataxia with peripheral neuropathy and increased serum AFP in published literature; however the affected siblings were also apparently homozygous for another SETX variant and unaffected siblings were heterozygous for both SETX variants (Asaka et al., 2006); This variant is associated with the following publications: (PMID: 23566282, 23129421, 16717225)

Inherited Neuropathy Consortium
Classification: Uncertain significance for Charcot-Marie-Tooth disease. Review status: no assertion criteria provided. Collection method: literature only. Allele origin: germline. Affected: yes. Not counted in ClinVar's aggregate classification.

Literature cited by the submitters: PubMed 16717225 (cited by Inherited Neuropathy Consortium).